The following is an entry in ClinVar:

ClinVar aggregate classification (germline): Uncertain significance. Review status: criteria provided, multiple submitters, no conflicts (2 of 4 stars). 6 submissions from 6 submitters: Uncertain significance (4). 2 of the submissions do not count toward it. Last evaluated 2026-04-07.

Conditions:
Cystic fibrosis (CF). Also called: MUCOVISCIDOSIS. Identifiers: Orphanet 586, MedGen C0010674, MONDO:0009061, OMIM 219700. Disease mechanism: loss of function.
CFTR-related disorder (CFTR-RD). Also called: CFTR-related disorders; CFTR-related condition. Identifiers: MedGen C5924204, MONDO:7770004.

Submissions (6):

Women's Health and Genetics/Laboratory Corporation of America, LabCorp
Classification: Uncertain significance. Last evaluated: 2026-04-07. Review status: criteria provided, single submitter. Criteria: LabCorp Variant Classification Summary - May 2015. Collection method: clinical testing. Allele origin: germline.
Comment: Variant summary: CFTR c.244A>G (p.Met82Val) results in a conservative amino acid change in the encoded protein sequence. Algorithms developed to predict the effect of missense changes on protein structure and function are either unavailable or do not agree on the potential impact of this missense change. The variant was absent in 251010 control chromosomes. The available data on variant occurrences in the general population are insufficient to allow any conclusion about variant significance. To our knowledge, no occurrence of c.244A>G in individuals affected with CFTR-related conditions has been reported. At least one publication reports experimental evidence evaluating an impact on protein function, however, does not allow convincing conclusions about the variant effect (Ramalho_2009). The following publication has been ascertained in the context of this evaluation (PMID: 19910674). ClinVar contains an entry for this variant (Variation ID: 557120). Based on the evidence outlined above, the variant was classified as uncertain significance.

Ambry Genetics
Classification: Uncertain significance for Cystic fibrosis. Last evaluated: 2025-11-21. Review status: criteria provided, single submitter. Criteria: Ambry Variant Classification Scheme 2023. Collection method: clinical testing. Allele origin: germline.
Comment: The p.M82V variant (also known as c.244A>G), located in coding exon 3 of the CFTR gene, results from an A to G substitution at nucleotide position 244. The methionine at codon 82 is replaced by valine, an amino acid with highly similar properties. This amino acid position is not well conserved in available vertebrate species. In addition, the in silico prediction for this alteration is inconclusive. Based on the available evidence, the clinical significance of this variant remains unclear.

Labcorp Genetics (formerly Invitae), Labcorp
Classification: Uncertain significance for Cystic fibrosis. Last evaluated: 2022-02-24. Review status: criteria provided, single submitter. Criteria: Invitae Variant Classification Sherloc (09022015). Collection method: clinical testing. Allele origin: germline.
Comment: This sequence change replaces methionine, which is neutral and non-polar, with valine, which is neutral and non-polar, at codon 82 of the CFTR protein (p.Met82Val). This variant is not present in population databases (gnomAD no frequency). This variant has not been reported in the literature in individuals affected with CFTR-related conditions. ClinVar contains an entry for this variant (Variation ID: 557120). Algorithms developed to predict the effect of missense changes on protein structure and function output the following: SIFT: "Tolerated"; PolyPhen-2: "Benign"; Align-GVGD: "Class C0". The valine amino acid residue is found in multiple mammalian species, which suggests that this missense change does not adversely affect protein function. Experimental studies have shown that this missense change does not substantially affect CFTR function (PMID: 19910674). In summary, the available evidence is currently insufficient to determine the role of this variant in disease. Therefore, it has been classified as a Variant of Uncertain Significance.

Genome-Nilou Lab
Classification: Uncertain significance for Cystic fibrosis. Last evaluated: 2021-09-05. Review status: criteria provided, single submitter. Criteria: ACMG Guidelines, 2015. Collection method: clinical testing. Allele origin: germline. Affected: no.

Natera, Inc.
Classification: Uncertain significance for CFTR-related disorders. Last evaluated: 2018-08-18. Review status: no assertion criteria provided. Collection method: clinical testing. Allele origin: germline. Not counted in ClinVar's aggregate classification.

Counsyl
Classification: Uncertain significance for Cystic fibrosis. Last evaluated: 2018-03-08. Review status: no assertion criteria provided. Collection method: clinical testing. Allele origin: unknown. Not counted in ClinVar's aggregate classification.

Literature cited by the submitters: PubMed 19910674 (cited by Women's Health and Genetics/Laboratory Corporation of America, LabCorp and Labcorp Genetics (formerly Invitae), Labcorp).

NM_000492.4(CFTR):c.244A>G (p.Met82Val)

Gene: CFTR (CF transmembrane conductance regulator; plus strand). Cytogenetic location: 7q31.2.
Variant type: single nucleotide variant.
Coding change: c.244A>G on transcript NM_000492.4 (MANE Select); coding-DNA position 244, A replaced by G.
Protein change: p.Met82Val; replaces methionine 82 with valine.
Molecular consequence: missense variant.
Genome position (GRCh38, 1-based): chr7:117,509,113, A>G. VCF-style: chr7-117509113-A-G. GRCh37 (hg19) VCF-style: chr7-117149167-A-G.
Other names: short protein forms M82V.
Identifiers: ClinVar variation 557120 (VCV000557120.14), dbSNP rs1554376431, ClinGen allele CA368972258.